The following is an entry in ClinVar:

ClinVar aggregate classification (germline): Conflicting classifications of pathogenicity. Review status: criteria provided, conflicting classifications (1 of 4 stars). 4 submissions from 4 submitters: Pathogenic (1); Likely pathogenic (1); Uncertain significance (1). 1 of the submissions does not count toward it. Last evaluated 2025-03-03.

Conditions:
CABP4-related disorder. Also called: CABP4-related condition.
Cone-rod dystrophy. Also called: Cone/cone-rod dystrophy; Cone-rod degeneration. Identifiers: Orphanet 1872, MedGen C4085590, MONDO:0015993, HP:0000548.

Allele frequency attached by ClinVar (database versions not stated): gnomAD exomes below 0.00001 and 0.00001; TOPMed 0.00001; ExAC 0.00002.

Submissions (4):

Labcorp Genetics (formerly Invitae), Labcorp
Classification: Likely pathogenic. Last evaluated: 2025-03-03. Review status: criteria provided, single submitter. Criteria: Invitae Variant Classification Sherloc (09022015). Collection method: clinical testing. Allele origin: germline.
Comment: This sequence change creates a premature translational stop signal (p.Arg253*) in the CABP4 gene. While this is not anticipated to result in nonsense mediated decay, it is expected to disrupt the last 23 amino acid(s) of the CABP4 protein. This variant is present in population databases (rs761991624, gnomAD 0.002%). This premature translational stop signal has been observed in individual(s) with CABP4-related conditions (internal data). In at least one individual the data is consistent with being in trans (on the opposite chromosome) from a pathogenic variant. ClinVar contains an entry for this variant (Variation ID: 812242). This variant disrupts a region of the CABP4 protein in which other variant(s) (p.Asn258Ile) have been observed in individuals with CABP4-related conditions (PMID: 30718709). This suggests that this is a clinically significant region of the protein, and that variants that disrupt it are likely to be disease-causing. In summary, the currently available evidence indicates that the variant is pathogenic, but additional data are needed to prove that conclusively. Therefore, this variant has been classified as Likely Pathogenic.

Women's Health and Genetics/Laboratory Corporation of America, LabCorp
Classification: Uncertain significance. Last evaluated: 2024-03-08. Review status: criteria provided, single submitter. Criteria: LabCorp Variant Classification Summary - May 2015. Collection method: clinical testing. Allele origin: germline.
Comment: Variant summary: CABP4 c.757C>T (p.Arg253X) results in a premature termination codon, predicted to cause a truncation of the encoded protein but is not expected to result in nonsense mediated decay. The variant allele was found at a frequency of 8e-06 in 251312 control chromosomes (gnomAD). The available data on variant occurrences in the general population are insufficient to allow any conclusion about variant significance. c.757C>T has been reported in the literature in a family affected with cone-rod dystrophy without case level information (Sharon_2020). These data do not allow any conclusion about variant significance. To our knowledge, no experimental evidence demonstrating an impact on protein function has been reported. No variants downstream of the this position are classified as pathogenic. The following publication has been ascertained in the context of this evaluation (PMID: 31456290). ClinVar contains an entry for this variant (Variation ID: 812242). Based on the evidence outlined above, the variant was classified as uncertain significance.

Blueprint Genetics
Classification: Pathogenic for CABP4-related disorders. Last evaluated: 2023-01-05. Review status: criteria provided, single submitter. Criteria: ACMG Guidelines, 2015. Collection method: clinical testing. Allele origin: germline. Affected: yes. Observed: 5 variant alleles.

Sharon lab, Hadassah-Hebrew University Medical Center
Classification: Pathogenic for Cone-rod degeneration. Last evaluated: 2019-06-23. Review status: no assertion criteria provided. Collection method: research. Allele origin: inherited. Affected: yes. Not counted in ClinVar's aggregate classification.

Literature cited by the submitters: PubMed 30718709 (cited by Labcorp Genetics (formerly Invitae), Labcorp); PubMed 31456290 (cited by Women's Health and Genetics/Laboratory Corporation of America, LabCorp).

NM_145200.5(CABP4):c.757C>T (p.Arg253Ter)

Gene: CABP4 (calcium binding protein 4; plus strand). Cytogenetic location: 11q13.2.
Variant type: single nucleotide variant.
Coding change: c.757C>T on transcript NM_145200.5 (MANE Select); coding-DNA position 757, C replaced by T.
Protein change: p.Arg253Ter; replaces arginine 253 with a stop codon.
Molecular consequence: nonsense. On other transcripts: non-coding transcript variant (1).
Genome position (GRCh38, 1-based): chr11:67,458,476, C>T. VCF-style: chr11-67458476-C-T. GRCh37 (hg19) VCF-style: chr11-67225947-C-T.
Other names: c.442C>T, p.Arg148Ter (NM_001300895.3, NM_001300896.3, NM_001379183.1); short protein forms R253*, R148*.
Identifiers: ClinVar variation 812242 (VCV000812242.15), dbSNP rs761991624, ClinGen allele CA6140340.
Genomic context (GRCh38, chr11:67,458,476, plus strand): 5'-GAGGCGGTACCGGCTCTGCTCGGGGAGCCGCTGGCGGGTCCTGAGCTGGACGAGATGCTC[C>T]GAGAAGTGGACCTCAATGGGGATGGCACCGTAGACTTTGACGGTGAGTCTCCTTCCCGGA-3'